The following is an entry in ClinVar:

ClinVar aggregate classification (germline): Conflicting classifications of pathogenicity. Review status: criteria provided, conflicting classifications (1 of 4 stars). 16 submissions from 15 submitters: Uncertain significance (1); Benign (3); Likely benign (8). 4 of the submissions do not count toward it. Last evaluated 2026-01-20.

Conditions:
Hereditary cancer-predisposing syndrome. Also called: Hereditary Cancer Syndrome; Tumor predisposition; Neoplastic Syndromes, Hereditary; Hereditary neoplastic syndrome. Identifiers: Orphanet 140162, MedGen C0027672, MeSH D009386, MONDO:0015356.
Tuberous sclerosis syndrome (TSC). Also called: Tuberous Sclerosis Complex; Tuberous sclerosis. Identifiers: Orphanet 805, MedGen C0041341, MONDO:0001734.
Isolated focal cortical dysplasia type II (FCORD2). Also called: CORTICAL DYSPLASIA OF TAYLOR; Focal cortical dysplasia type II. Identifiers: Orphanet 268994, MedGen C1846385, MONDO:0011818, OMIM 607341, HP:0032051.
Tuberous sclerosis 1 (TSC1). Identifiers: Orphanet 805, MedGen C1854465, MONDO:0008612, OMIM 191100.

Allele frequency attached by ClinVar (database versions not stated): ESP Exome Variant Server 0.00008; ExAC 0.00009; gnomAD 0.00009; TOPMed 0.00009; gnomAD exomes 0.00010 and 0.00016.
gnomAD v4.1: 243 of 1,611,274 alleles (0.015%); highest among the groups gnomAD compares: Non-Finnish European, 0.02%; no homozygotes.

Submissions (16):

Labcorp Genetics (formerly Invitae), Labcorp
Classification: Benign for Tuberous sclerosis 1. Last evaluated: 2026-01-20. Review status: criteria provided, single submitter. Criteria: Invitae Variant Classification Sherloc (09022015). Collection method: clinical testing. Allele origin: germline.

CeGaT Center for Human Genetics Tuebingen
Classification: Likely benign. Last evaluated: 2025-09-01. Review status: criteria provided, single submitter. Criteria: CeGaT Center For Human Genetics Tuebingen Variant Classification Criteria Version 2. Collection method: clinical testing. Allele origin: germline. Affected: yes. Observed: 2 variant alleles.
Comment: TSC1: BP4, BS2

Myriad Genetics, Inc.
Classification: Likely benign for Tuberous sclerosis 1. Last evaluated: 2025-04-09. Review status: criteria provided, single submitter. Criteria: Myriad Autosomal Dominant, Autosomal Recessive and X-Linked Classification Criteria (2023). Collection method: clinical testing. Allele origin: unknown.
Comment: This variant is considered likely benign. This variant is intronic and is not expected to impact mRNA splicing. This variant has been observed at a population frequency that is significantly greater than expected given the associated disease prevalence and penetrance.

Blueprint Genetics
Classification: Likely benign. Last evaluated: 2024-02-16. Review status: criteria provided, single submitter. Criteria: ACMG Guidelines, 2015. Collection method: clinical testing. Allele origin: germline.

All of Us Research Program, National Institutes of Health
Classification: Likely benign for Tuberous sclerosis syndrome. Last evaluated: 2024-01-11. Review status: criteria provided, single submitter. Criteria: ACMG Guidelines, 2015. Collection method: clinical testing. Allele origin: germline. Inheritance: Autosomal dominant inheritance. Observed: 34 variant alleles, 34 heterozygotes.
Comment: This study involves interpretation of variants in research participants for the purpose of population health screening. Participant phenotype was not available at the time of variant classification. Additional details can be found in publication PMID: 35346344, PMCID: PMC8962531

Color Diagnostics, LLC DBA Color Health
Classification: Likely benign for Tuberous sclerosis syndrome. Last evaluated: 2022-11-18. Review status: criteria provided, single submitter. Criteria: ACMG Guidelines, 2015. Collection method: clinical testing. Allele origin: germline.

Quest Diagnostics Nichols Institute San Juan Capistrano
Classification: Benign. Last evaluated: 2022-08-30. Review status: criteria provided, single submitter. Criteria: Quest Diagnostics criteria. Collection method: clinical testing. Allele origin: unknown.
Comment: The frequency of this variant in the general population is higher than would generally be expected for pathogenic variants in this gene. Computational tools yielded predictions that this variant is unlikely to have an effect on normal RNA splicing. This nucleotide position exhibits low evolutionary conservation.

Genome-Nilou Lab
Classification: Benign for Tuberous sclerosis 1. Last evaluated: 2021-11-07. Review status: criteria provided, single submitter. Criteria: ACMG Guidelines, 2015. Collection method: clinical testing. Allele origin: germline. Affected: no.

Sema4
Classification: Likely benign for Hereditary cancer-predisposing syndrome. Last evaluated: 2021-03-04. Review status: criteria provided, single submitter. Criteria: Sema4 Curation Guidelines. Collection method: curation. Allele origin: germline.

GeneDx
Classification: Likely benign. Last evaluated: 2020-12-03. Review status: criteria provided, single submitter. Criteria: GeneDx Variant Classification Process June 2021. Collection method: clinical testing. Allele origin: germline. Affected: yes.

Illumina Laboratory Services, Illumina
Classification: Likely benign for Isolated focal cortical dysplasia type II. Last evaluated: 2018-01-12. Review status: criteria provided, single submitter. Criteria: ICSL Variant Classification Criteria 13 December 2019. Collection method: clinical testing. Allele origin: germline.
Comment: This variant was observed in the ICSL laboratory as part of a predisposition screen in an ostensibly healthy population. It had not been previously curated by ICSL or reported in the Human Gene Mutation Database (HGMD: prior to June 1st, 2018), and was therefore a candidate for classification through an automated scoring system. Utilizing variant allele frequency, disease prevalence and penetrance estimates, and inheritance mode, an automated score was calculated to assess if this variant is too frequent to cause the disease. Based on the score and internal cut-off values, a variant classified as likely benign is not then subjected to further curation. The score for this variant resulted in a classification of likely benign for this disease.

Illumina Laboratory Services, Illumina
Classification: Uncertain significance for Tuberous sclerosis 1. Last evaluated: 2018-01-12. Review status: criteria provided, single submitter. Criteria: ICSL Variant Classification Criteria 13 December 2019. Collection method: clinical testing. Allele origin: germline.

Clinical Genetics DNA and cytogenetics Diagnostics Lab, Erasmus MC, Erasmus Medical Center
Classification: Benign. Review status: no assertion criteria provided. Collection method: clinical testing. Allele origin: germline. Affected: yes. Study: VKGL Data-share Consensus. Not counted in ClinVar's aggregate classification.

Clinical Genetics, Academic Medical Center
Classification: Likely benign. Review status: no assertion criteria provided. Collection method: clinical testing. Allele origin: germline. Affected: yes. Study: VKGL Data-share Consensus. Not counted in ClinVar's aggregate classification.

Genome Diagnostics Laboratory, Amsterdam University Medical Center
Classification: Likely benign. Review status: no assertion criteria provided. Collection method: clinical testing. Allele origin: germline. Affected: yes. Study: VKGL Data-share Consensus. Not counted in ClinVar's aggregate classification.

Tuberous sclerosis database (TSC1)
No classification provided. Condition: TSC. Review status: no classification provided. Criteria: Tuberous Sclerosis Database Assertion Criteria 2015. Collection method: curation. Allele origin: germline. Affected: yes. Not counted in ClinVar's aggregate classification.

NM_000368.5(TSC1):c.1438+6G>A

Gene: TSC1 (TSC complex subunit 1; minus strand). Cytogenetic location: 9q34.13.
Variant type: single nucleotide variant.
Coding change: c.1438+6G>A on transcript NM_000368.5 (MANE Select); 6 bases into the intron after coding-DNA position 1438, G replaced by A.
Molecular consequence: intron variant.
Genome position (GRCh38, 1-based): chr9:132,906,725, C>T on the plus strand (G>A on the coding strand, the complement: TSC1 is on the minus strand). VCF-style: chr9-132906725-C-T. GRCh37 (hg19) VCF-style: chr9-135782112-C-T.
Other names: c.1075+6G>A (NM_001362177.2); c.1285+6G>A (NM_001162427.2); c.1435+6G>A (NM_001162426.2).
Identifiers: ClinVar variation 48782 (VCV000048782.64), dbSNP rs118203530, ClinGen allele CA004815.